The following is an entry in ClinVar:

NM_033133.5(CNP):c.834C>T (p.Tyr278=)

Gene: CNP (2',3'-cyclic nucleotide 3' phosphodiesterase; plus strand). Cytogenetic location: 17q21.2.
Variant type: single nucleotide variant.
Coding change: c.834C>T on transcript NM_033133.5 (MANE Select); coding-DNA position 834, C replaced by T.
Protein change: p.Tyr278=; no amino-acid change (tyrosine 278 retained).
Molecular consequence: synonymous variant.
Genome position (GRCh38, 1-based): chr17:41,973,492, C>T. VCF-style: chr17-41973492-C-T. GRCh37 (hg19) VCF-style: chr17-40125510-C-T.
Other names: c.774C>T, p.Tyr258= (NM_001330216.2).
Identifiers: ClinVar variation 3257701 (VCV003257701.17).

ClinVar aggregate classification (germline): Likely benign (1 of 4 stars; one submission).

gnomAD v4.1: 13 of 1,613,866 alleles (0.00081%); highest among the groups gnomAD compares: Middle Eastern, 0.016%; no homozygotes.

Submission:

CeGaT Center for Human Genetics Tuebingen
Classification: Likely benign. Last evaluated: 2024-07-01. Review status: criteria provided, single submitter. Criteria: CeGaT Center For Human Genetics Tuebingen Variant Classification Criteria Version 2. Collection method: clinical testing. Allele origin: germline. Affected: yes. Observed: 1 variant allele.
Comment: CNP: BP4, BP7